The following is an entry in ClinVar:

ClinVar aggregate classification (germline): Uncertain significance (1 of 4 stars; one submission).

Allele frequency attached by ClinVar (database versions not stated): ExAC 0.00001; gnomAD 0.00001; gnomAD exomes 0.00001; TOPMed 0.00002.
gnomAD v4.1: 14 of 1,613,896 alleles (0.00087%); highest among the groups gnomAD compares: African/African-American, 0.0013%; no homozygotes.

Submission:

GeneDx
Classification: Uncertain significance. Last evaluated: 2022-12-27. Review status: criteria provided, single submitter. Criteria: GeneDx Variant Classification Process June 2021. Collection method: clinical testing. Allele origin: germline. Affected: yes.
Comment: Not observed at significant frequency in large population cohorts (gnomAD); In silico analysis supports that this missense variant has a deleterious effect on protein structure/function; Has not been previously published as pathogenic or benign to our knowledge

NM_005559.4(LAMA1):c.3926A>G (p.Asp1309Gly)

Gene: LAMA1 (laminin subunit alpha 1; minus strand). Cytogenetic location: 18p11.31.
Variant type: single nucleotide variant.
Coding change: c.3926A>G on transcript NM_005559.4 (MANE Select); coding-DNA position 3926, A replaced by G.
Protein change: p.Asp1309Gly; replaces aspartic acid 1309 with glycine.
Molecular consequence: missense variant.
Genome position (GRCh38, 1-based): chr18:7,009,314, T>C on the plus strand (A>G on the coding strand, the complement: LAMA1 is on the minus strand). VCF-style: chr18-7009314-T-C. GRCh37 (hg19) VCF-style: chr18-7009313-T-C.
Other names: short protein forms D1309G.
Identifiers: ClinVar variation 2507069 (VCV002507069.1), dbSNP rs749479566, ClinGen allele CA8882095.